The following is an entry in ClinVar:

ClinVar aggregate classification (germline): Uncertain significance (1 of 4 stars; one submission).

gnomAD v4.1: 19 of 1,611,530 alleles (0.0012%); highest among the groups gnomAD compares: African/African-American, 0.0027%; no homozygotes.

Submission:

Labcorp Genetics (formerly Invitae), Labcorp
Classification: Uncertain significance. Last evaluated: 2026-01-26. Review status: criteria provided, single submitter. Criteria: Invitae Variant Classification Sherloc (09022015). Collection method: clinical testing. Allele origin: germline.
Comment: This sequence change replaces arginine, which is basic and polar, with histidine, which is basic and polar, at codon 147 of the UTP4 protein (p.Arg147His). This variant is present in population databases (rs201100823, gnomAD 0.004%). This variant has not been reported in the literature in individuals affected with UTP4-related conditions. Invitae Evidence Modeling of protein sequence and biophysical properties (such as structural, functional, and spatial information, amino acid conservation, physicochemical variation, residue mobility, and thermodynamic stability) indicates that this missense variant is expected to disrupt UTP4 protein function with a positive predictive value of 80%. Algorithms developed to predict the effect of sequence changes on RNA splicing suggest that this variant may disrupt the consensus splice site. In summary, the available evidence is currently insufficient to determine the role of this variant in disease. Therefore, it has been classified as a Variant of Uncertain Significance.

NM_032830.3(UTP4):c.440G>A (p.Arg147His)

Gene: UTP4 (UTP4 small subunit processome component). Cytogenetic location: 16q22.1.
Variant type: single nucleotide variant.
Coding change: c.440G>A on transcript NM_032830.3 (MANE Select); coding-DNA position 440, G replaced by A.
Protein change: p.Arg147His; replaces arginine 147 with histidine.
Molecular consequence: missense variant.
Genome position (GRCh38, 1-based): chr16:69,139,828, G>A. VCF-style: chr16-69139828-G-A. GRCh37 (hg19) VCF-style: chr16-69173731-G-A.
Other names: c.191G>A, p.Arg64His (NM_001318391.2); short protein forms R147H, R64H.
Identifiers: ClinVar variation 4690749 (VCV004690749.1).
Genomic context (GRCh38, chr16:69,139,828, plus strand): 5'-TACTCTTCGTATATTTATGTGTATGTCACTTTCTTTTTTTGTTGTCCAACTCCCAAGGTC[G>A]CATCCTGAGTCTCAGCTGGCATCCCTCTGGTACCCACATTGCAGCTGGTTCCATAGACTA-3'
Protein context (NP_116219.2, residues 137-157): FERNFDRQKS[Arg147His]ILSLSWHPSG